The following is an entry in ClinVar:

NM_001379286.1(ZNF423):c.3734-8G>T

Gene: ZNF423 (zinc finger protein 423; minus strand). Cytogenetic location: 16q12.1.
Variant type: single nucleotide variant.
Coding change: c.3734-8G>T on transcript NM_001379286.1 (MANE Select); 8 bases into the intron before coding-DNA position 3734, G replaced by T.
Molecular consequence: intron variant.
Genome position (GRCh38, 1-based): chr16:49,523,747, C>A on the plus strand (G>T on the coding strand, the complement: ZNF423 is on the minus strand). VCF-style: chr16-49523747-C-A. GRCh37 (hg19) VCF-style: chr16-49557658-C-A.
Other names: c.3710-8G>T (NM_015069.4, NM_015069.5); c.3359-8G>T (NM_001330533.2); c.3530-8G>T (NM_001271620.2).
Identifiers: ClinVar variation 1145722 (VCV001145722.12), dbSNP rs200126025, ClinGen allele CA8046203.

ClinVar aggregate classification (germline): Likely benign. Review status: criteria provided, multiple submitters, no conflicts (2 of 4 stars). 3 submissions from 3 submitters: Likely benign (2). 1 of the submissions does not count toward it. Last evaluated 2026-01-05.

Conditions:
Nephronophthisis 14 (NPHP14). Identifiers: Orphanet 2318, MedGen C3539071, MONDO:0013916, OMIM 614844.
ZNF423-related disorder. Also called: ZNF423-related condition.

Allele frequency attached by ClinVar (database versions not stated): gnomAD 0.00001 and 0.00002; TOPMed 0.00004; 1000 Genomes Project 0.00020; 1000 Genomes Project 30x 0.00031.
gnomAD v4.1: 62 of 1,611,578 alleles (0.0038%); highest among the groups gnomAD compares: Admixed American, 0.027%; no homozygotes.

Submissions (3):

Labcorp Genetics (formerly Invitae), Labcorp
Classification: Likely benign for Nephronophthisis 14. Last evaluated: 2026-01-05. Review status: criteria provided, single submitter. Criteria: Invitae Variant Classification Sherloc (09022015). Collection method: clinical testing. Allele origin: germline.

Blueprint Genetics
Classification: Likely benign. Last evaluated: 2022-05-10. Review status: criteria provided, single submitter. Criteria: ACMG Guidelines, 2015. Collection method: clinical testing. Allele origin: germline.

PreventionGenetics, part of Exact Sciences
Classification: Likely benign for ZNF423-related condition. Last evaluated: 2021-06-10. Review status: no assertion criteria provided. Collection method: clinical testing. Allele origin: germline. Not counted in ClinVar's aggregate classification.
Comment: This variant is classified as likely benign based on ACMG/AMP sequence variant interpretation guidelines (Richards et al. 2015 PMID: 25741868, with internal and published modifications).